The following is an entry in ClinVar:

ClinVar aggregate classification (germline): Uncertain significance (1 of 4 stars; one submission).

Allele frequency attached by ClinVar (database versions not stated): gnomAD exomes below 0.00001.
gnomAD v4.1: 1 of 1,613,756 alleles (0.000062%); highest among the groups gnomAD compares: Admixed American, 0.0017%; no homozygotes.

Submission:

Labcorp Genetics (formerly Invitae), Labcorp
Classification: Uncertain significance. Last evaluated: 2025-06-01. Review status: criteria provided, single submitter. Criteria: Invitae Variant Classification Sherloc (09022015). Collection method: clinical testing. Allele origin: germline.
Comment: This sequence change replaces methionine, which is neutral and non-polar, with threonine, which is neutral and polar, at codon 2201 of the POLE protein (p.Met2201Thr). This variant is not present in population databases (gnomAD no frequency). This variant has not been reported in the literature in individuals affected with POLE-related conditions. ClinVar contains an entry for this variant (Variation ID: 2144260). Invitae Evidence Modeling of protein sequence and biophysical properties (such as structural, functional, and spatial information, amino acid conservation, physicochemical variation, residue mobility, and thermodynamic stability) indicates that this missense variant is not expected to disrupt POLE protein function with a negative predictive value of 80%. In summary, the available evidence is currently insufficient to determine the role of this variant in disease. Therefore, it has been classified as a Variant of Uncertain Significance.

NM_006231.4(POLE):c.6602T>C (p.Met2201Thr)

Gene: POLE (DNA polymerase epsilon, catalytic subunit; minus strand). Cytogenetic location: 12q24.33.
Variant type: single nucleotide variant.
Coding change: c.6602T>C on transcript NM_006231.4 (MANE Select); coding-DNA position 6602, T replaced by C.
Protein change: p.Met2201Thr; replaces methionine 2201 with threonine.
Molecular consequence: missense variant.
Genome position (GRCh38, 1-based): chr12:132,625,700, A>G on the plus strand (T>C on the coding strand, the complement: POLE is on the minus strand). VCF-style: chr12-132625700-A-G. GRCh37 (hg19) VCF-style: chr12-133202286-A-G.
Other names: short protein forms M2201T.
Identifiers: ClinVar variation 2144260 (VCV002144260.4), dbSNP rs2138427817, ClinGen allele CA387366625.